The following is an entry in ClinVar:

ClinVar aggregate classification (germline): Uncertain significance (1 of 4 stars; one submission).

Conditions:
Bethlem myopathy 1A. Also called: MYOPATHY, BENIGN CONGENITAL, WITH CONTRACTURES; Bethlem myopathy 1; Bethlem Muscular Dystrophy. Identifiers: Orphanet 610, MedGen CN029274, MONDO:0024530, OMIM 158810.

gnomAD v4.1: 2 of 1,613,930 alleles (0.00012%); highest among the groups gnomAD compares: African/African-American, 0.0027%; no homozygotes.

Submission:

Labcorp Genetics (formerly Invitae), Labcorp
Classification: Uncertain significance for Bethlem myopathy 1A. Last evaluated: 2023-11-20. Review status: criteria provided, single submitter. Criteria: Invitae Variant Classification Sherloc (09022015). Collection method: clinical testing. Allele origin: germline.
Comment: This sequence change replaces arginine, which is basic and polar, with glycine, which is neutral and non-polar, at codon 1096 of the COL6A3 protein (p.Arg1096Gly). This variant is present in population databases (no rsID available, gnomAD 0.007%). This variant has not been reported in the literature in individuals affected with COL6A3-related conditions. Advanced modeling of protein sequence and biophysical properties (such as structural, functional, and spatial information, amino acid conservation, physicochemical variation, residue mobility, and thermodynamic stability) performed at Invitae indicates that this missense variant is not expected to disrupt COL6A3 protein function with a negative predictive value of 80%. In summary, the available evidence is currently insufficient to determine the role of this variant in disease. Therefore, it has been classified as a Variant of Uncertain Significance.

NM_004369.4(COL6A3):c.3286C>G (p.Arg1096Gly)

Gene: COL6A3 (collagen type VI alpha 3 chain; minus strand). Cytogenetic location: 2q37.3.
Variant type: single nucleotide variant.
Coding change: c.3286C>G on transcript NM_004369.4 (MANE Select); coding-DNA position 3286, C replaced by G.
Protein change: p.Arg1096Gly; replaces arginine 1096 with glycine.
Molecular consequence: missense variant.
Genome position (GRCh38, 1-based): chr2:237,374,805, G>C on the plus strand (C>G on the coding strand, the complement: COL6A3 is on the minus strand). VCF-style: chr2-237374805-G-C. GRCh37 (hg19) VCF-style: chr2-238283448-G-C.
Other names: c.2065C>G, p.Arg689Gly (NM_057164.5); c.2668C>G, p.Arg890Gly (NM_057165.5, NM_057167.4); c.1465C>G, p.Arg489Gly (NM_057166.5); short protein forms R1096G, R689G, R489G, R890G.
Identifiers: ClinVar variation 2998720 (VCV002998720.3), dbSNP rs114852262, ClinGen allele CA67823694.